The following is an entry in ClinVar:

ClinVar aggregate classification (germline): Uncertain significance (1 of 4 stars; one submission).

Conditions:
Cholestanol storage disease (CTX). Also called: CTX: Cerebrotendinous xanthomatosis; CEREBRAL CHOLESTERINOSIS; Cerebrotendinous Xanthomatosis. Identifiers: Orphanet 909, MedGen C0238052, MONDO:0008948, OMIM 213700.

gnomAD v4.1: 2 of 1,614,190 alleles (0.00012%); highest among the groups gnomAD compares: Non-Finnish European, 0.00017%; no homozygotes.

Submission:

Labcorp Genetics (formerly Invitae), Labcorp
Classification: Uncertain significance for Cholestanol storage disease. Last evaluated: 2018-03-07. Review status: criteria provided, single submitter. Criteria: Invitae Variant Classification Sherloc (09022015). Collection method: clinical testing. Allele origin: germline.
Comment: In summary, the available evidence is currently insufficient to determine the role of this variant in disease. Therefore, it has been classified as a Variant of Uncertain Significance. Algorithms developed to predict the effect of missense changes on protein structure and function (SIFT, PolyPhen-2, Align-GVGD) all suggest that this variant is likely to be disruptive, but these predictions have not been confirmed by published functional studies and their clinical significance is uncertain. This variant has not been reported in the literature in individuals with CYP27A1-related disease. This variant is not present in population databases (ExAC no frequency). This sequence change replaces isoleucine with asparagine at codon 220 of the CYP27A1 protein (p.Ile220Asn). The isoleucine residue is highly conserved and there is a large physicochemical difference between isoleucine and asparagine.

NM_000784.4(CYP27A1):c.659T>A (p.Ile220Asn)

Gene: CYP27A1 (cytochrome P450 family 27 subfamily A member 1; plus strand). Cytogenetic location: 2q35.
Variant type: single nucleotide variant.
Coding change: c.659T>A on transcript NM_000784.4 (MANE Select); coding-DNA position 659, T replaced by A.
Protein change: p.Ile220Asn; replaces isoleucine 220 with asparagine.
Molecular consequence: missense variant.
Genome position (GRCh38, 1-based): chr2:218,812,564, T>A. VCF-style: chr2-218812564-T-A. GRCh37 (hg19) VCF-style: chr2-219677287-T-A.
Other names: short protein forms I220N.
Identifiers: ClinVar variation 572133 (VCV000572133.8), dbSNP rs1559392536, ClinGen allele CA350585905.